The following is an entry in ClinVar:

NM_001048174.2(MUTYH):c.1157A>C (p.Gln386Pro)

Gene: MUTYH (mutY DNA glycosylase; minus strand). Cytogenetic location: 1p34.1.
Variant type: single nucleotide variant.
Coding change: c.1157A>C on transcript NM_001048174.2 (MANE Select); coding-DNA position 1157, A replaced by C.
Protein change: p.Gln386Pro; replaces glutamine 386 with proline.
Molecular consequence: missense variant. On other transcripts: non-coding transcript variant (7).
Genome position (GRCh38, 1-based): chr1:45,331,502, T>G on the plus strand (A>C on the coding strand, the complement: MUTYH is on the minus strand). VCF-style: chr1-45331502-T-G. GRCh37 (hg19) VCF-style: chr1-45797174-T-G.
Other names: c.1160A>C, p.Gln387Pro (NM_001407086.1, NM_001407078.1, NM_001407071.1 and 1 more transcripts); c.1178A>C, p.Gln393Pro (NM_001407087.1); c.1157A>C, p.Gln386Pro (NM_001407088.1, NM_001407089.1, NM_001407081.1 and 6 more transcripts); c.881A>C, p.Gln294Pro (NM_001407091.1, NM_001293196.2, NM_001293192.2); c.1232A>C, p.Gln411Pro (NM_012222.3); c.1118A>C, p.Gln373Pro (NM_001407079.1); c.1115A>C, p.Gln372Pro (NM_001407080.1); c.812A>C, p.Gln271Pro (NM_001407082.1, NM_001350650.2, NM_001350651.2); and 5 more; short protein forms Q294P, Q386P, Q401P, Q411P, Q271P, Q358P, Q400P, Q373P.
Identifiers: ClinVar variation 4113124 (VCV004113124.1).

ClinVar aggregate classification (germline): Uncertain significance (1 of 4 stars; one submission).

Conditions:
Hereditary cancer-predisposing syndrome. Also called: Tumor predisposition; Neoplastic Syndromes, Hereditary; Hereditary neoplastic syndrome; Hereditary Cancer Syndrome. Identifiers: Orphanet 140162, MedGen C0027672, MeSH D009386, MONDO:0015356.

Submission:

Ambry Genetics
Classification: Uncertain significance for Hereditary cancer-predisposing syndrome. Last evaluated: 2025-08-27. Review status: criteria provided, single submitter. Criteria: Ambry Variant Classification Scheme 2023. Collection method: clinical testing. Allele origin: germline.
Comment: The p.Q414P variant (also known as c.1241A>C), located in coding exon 13 of the MUTYH gene, results from an A to C substitution at nucleotide position 1241. The glutamine at codon 414 is replaced by proline, an amino acid with similar properties. This amino acid position is conserved. In addition, this alteration is predicted to be tolerated by in silico analysis. Based on the available evidence, the clinical significance of this variant remains unclear.